The following is an entry in ClinVar:

ClinVar aggregate classification (germline): Uncertain significance (1 of 4 stars; one submission).

Conditions:
Alstrom syndrome (ALMS). Identifiers: Orphanet 64, MedGen C0268425, MONDO:0008763, OMIM 203800.

gnomAD v4.1: 1 of 1,613,342 alleles (0.000062%); no homozygotes.

Submission:

Labcorp Genetics (formerly Invitae), Labcorp
Classification: Uncertain significance for Alstrom syndrome. Last evaluated: 2026-01-19. Review status: criteria provided, single submitter. Criteria: Invitae Variant Classification Sherloc (09022015). Collection method: clinical testing. Allele origin: germline.
Comment: This sequence change replaces valine, which is neutral and non-polar, with leucine, which is neutral and non-polar, at codon 2078 of the ALMS1 protein (p.Val2078Leu). This variant is not present in population databases (gnomAD no frequency). This variant has not been reported in the literature in individuals affected with ALMS1-related conditions. ClinVar contains an entry for this variant (Variation ID: 1444195). Experimental studies and prediction algorithms are not available or were not evaluated, and the functional significance of this variant is currently unknown. In summary, the available evidence is currently insufficient to determine the role of this variant in disease. Therefore, it has been classified as a Variant of Uncertain Significance.

NM_001378454.1(ALMS1):c.6229G>C (p.Val2077Leu)

Gene: ALMS1 (ALMS1 centrosome and basal body associated protein; plus strand). Cytogenetic location: 2p13.1.
Variant type: single nucleotide variant.
Coding change: c.6229G>C on transcript NM_001378454.1 (MANE Select); coding-DNA position 6229, G replaced by C.
Protein change: p.Val2077Leu; replaces valine 2077 with leucine.
Molecular consequence: missense variant.
Genome position (GRCh38, 1-based): chr2:73,452,756, G>C. VCF-style: chr2-73452756-G-C. GRCh37 (hg19) VCF-style: chr2-73679883-G-C.
Other names: c.6232G>C, p.Val2078Leu (NM_015120.4); short protein forms V2078L, V2077L.
Identifiers: ClinVar variation 1444195 (VCV001444195.5), dbSNP rs779402813, ClinGen allele CA347285361.
Genomic context (GRCh38, chr2:73,452,756, plus strand): 5'-TTATTTCAACAGCAGTTGCCAGATAGAGATCAAAGTAAAGGTATTCTAAAGATTTCAGCT[G>C]TCCCTGAACTAACTGATGTGAATACTGGAAAACCAGTATCTCTCTCTAGTTCTTATTTTC-3'
Protein context (NP_001365383.1, residues 2067-2087): QSKGILKISA[Val2077Leu]PELTDVNTGK